The following is an entry in ClinVar:

NM_017760.7(NCAPG2):c.2078C>T (p.Thr693Met)

Gene: NCAPG2 (non-SMC condensin II complex subunit G2; minus strand). Cytogenetic location: 7q36.3.
Variant type: single nucleotide variant.
Coding change: c.2078C>T on transcript NM_017760.7 (MANE Select); coding-DNA position 2078, C replaced by T.
Protein change: p.Thr693Met; replaces threonine 693 with methionine.
Molecular consequence: missense variant. On other transcripts: non-coding transcript variant (1).
Genome position (GRCh38, 1-based): chr7:158,656,688, G>A on the plus strand (C>T on the coding strand, the complement: NCAPG2 is on the minus strand). VCF-style: chr7-158656688-G-A. GRCh37 (hg19) VCF-style: chr7-158449380-G-A.
Other names: c.2078C>T, p.Thr693Met (NM_001281932.2, NM_001281933.2); short protein forms T693M.
Identifiers: ClinVar variation 633699 (VCV000633699.3), dbSNP rs772209292, ClinGen allele CA4592643.

ClinVar aggregate classification (germline): no classifications from unflagged records (0 of 4 stars; one submission).

Conditions:
Khan-Khan-Katsanis syndrome. Also called: 3K SYNDROME. Identifiers: MedGen C5193110, MONDO:0032764, OMIM 618460.

Allele frequency attached by ClinVar (database versions not stated): TOPMed 0.00002; ExAC 0.00003; gnomAD exomes 0.00003; gnomAD 0.00003.

Submission:

OMIM
Classification: Pathogenic for KHAN-KHAN-KATSANIS SYNDROME. Last evaluated: 2019-07-16. Review status: flagged submission. Collection method: literature only. Allele origin: germline.
ClinVar note: Notes: Flagging candidate with reason of insufficient supporting evidence. This gene has been classified as having a limited gene-disease relationship by a ClinGen Expert Panel.
ClinVar note: Reason: P/LP classification for a variant in a gene with insufficient evidence for a gene-disease relationship

Literature cited by the submitters: PubMed 30609410.